The following is an entry in ClinVar:

NM_182961.4(SYNE1):c.1603T>A (p.Ser535Thr)

Gene: SYNE1 (spectrin repeat containing nuclear envelope protein 1; minus strand). Cytogenetic location: 6q25.2.
Variant type: single nucleotide variant.
Coding change: c.1603T>A on transcript NM_182961.4 (MANE Select); coding-DNA position 1603, T replaced by A.
Protein change: p.Ser535Thr; replaces serine 535 with threonine.
Molecular consequence: missense variant.
Genome position (GRCh38, 1-based): chr6:152,471,626, A>T on the plus strand (T>A on the coding strand, the complement: SYNE1 is on the minus strand). VCF-style: chr6-152471626-A-T. GRCh37 (hg19) VCF-style: chr6-152792761-A-T.
Other names: c.1624T>A, p.Ser542Thr (NM_033071.5); short protein forms S535T, S542T.
Identifiers: ClinVar variation 2127678 (VCV002127678.4), dbSNP rs2504423273, ClinGen allele CA366132540.

ClinVar aggregate classification (germline): Uncertain significance (1 of 4 stars; one submission).

Conditions:
Emery-Dreifuss muscular dystrophy 4, autosomal dominant (EDMD4). Also called: EMERY-DREIFUSS MUSCULAR DYSTROPHY 4 WITH VARIABLE FEATURES. Identifiers: Orphanet 261, MedGen C2751807, MONDO:0013071, OMIM 612998.
Autosomal recessive ataxia, Beauce type. Also called: SYNE1 Deficiency; Spinocerebellar ataxia, autosomal recessive 8; ATAXIA, RECESSIVE, OF BEAUCE; SYNE1-Related Autosomal Recessive Cerebellar Ataxia. Identifiers: Orphanet 88644, MedGen C1853116, MONDO:0012549, OMIM 610743.

Submission:

Labcorp Genetics (formerly Invitae), Labcorp
Classification: Uncertain significance for Emery-Dreifuss muscular dystrophy 4, autosomal dominant; Autosomal recessive ataxia, Beauce type. Last evaluated: 2022-04-18. Review status: criteria provided, single submitter. Criteria: Invitae Variant Classification Sherloc (09022015). Collection method: clinical testing. Allele origin: germline.
Comment: In summary, the available evidence is currently insufficient to determine the role of this variant in disease. Therefore, it has been classified as a Variant of Uncertain Significance. Algorithms developed to predict the effect of missense changes on protein structure and function output the following: SIFT: "Tolerated"; PolyPhen-2: "Benign"; Align-GVGD: "Class C0". The threonine amino acid residue is found in multiple mammalian species, which suggests that this missense change does not adversely affect protein function. This variant has not been reported in the literature in individuals affected with SYNE1-related conditions. This variant is not present in population databases (gnomAD no frequency). This sequence change replaces serine, which is neutral and polar, with threonine, which is neutral and polar, at codon 542 of the SYNE1 protein (p.Ser542Thr).